The following is an entry in ClinVar:

NM_014140.4(SMARCAL1):c.341G>A (p.Arg114His)

Gene: SMARCAL1 (SNF2 related chromatin remodeling annealing helicase 1; plus strand). Cytogenetic location: 2q35.
Variant type: single nucleotide variant.
Coding change: c.341G>A on transcript NM_014140.4 (MANE Select); coding-DNA position 341, G replaced by A.
Protein change: p.Arg114His; replaces arginine 114 with histidine.
Molecular consequence: missense variant.
Genome position (GRCh38, 1-based): chr2:216,415,045, G>A. VCF-style: chr2-216415045-G-A. GRCh37 (hg19) VCF-style: chr2-217279768-G-A.
Other names: c.341G>A, p.Arg114His (NM_001127207.2); short protein forms R114H.
Identifiers: ClinVar variation 196456 (VCV000196456.27), dbSNP rs11555797, ClinGen allele CA202386.

ClinVar aggregate classification (germline): Benign/Likely benign. Review status: criteria provided, multiple submitters, no conflicts (2 of 4 stars). 8 submissions from 8 submitters: Benign (7); Likely benign (1). Last evaluated 2026-02-03.

Conditions:
Kidney disorder. Also called: Nephropathy; Kidney disease; Kidney Diseases; renal disease; renal disorder. Identifiers: MedGen C0022658, MONDO:0005240, HP:0000112.
Schimke immuno-osseous dysplasia (SIOD). Also called: Schimke Immunoosseous Dysplasia. Identifiers: Orphanet 1830, MedGen C0877024, MONDO:0009458, OMIM 242900.

Allele frequency attached by ClinVar (database versions not stated): ESP Exome Variant Server 0.00023; gnomAD exomes 0.00328 and 0.01407; gnomAD 0.00657 and 0.00693; ExAC 0.01016; TOPMed 0.01077; 1000 Genomes Project 0.01458; 1000 Genomes Project 30x 0.01562.
gnomAD v4.1: 5,756 of 1,614,198 alleles (0.36%); highest among the groups gnomAD compares: Admixed American, 8%; 233 homozygotes.

Submissions (8):

Labcorp Genetics (formerly Invitae), Labcorp
Classification: Benign for Schimke immuno-osseous dysplasia. Last evaluated: 2026-02-03. Review status: criteria provided, single submitter. Criteria: Invitae Variant Classification Sherloc (09022015). Collection method: clinical testing. Allele origin: germline.

Mayo Clinic Laboratories, Mayo Clinic
Classification: Benign. Last evaluated: 2023-04-10. Review status: criteria provided, single submitter. Criteria: ACMG Guidelines, 2015. Collection method: clinical testing. Allele origin: germline. Observed: 4 variant alleles.

GeneDx
Classification: Benign. Last evaluated: 2020-03-11. Review status: criteria provided, single submitter. Criteria: GeneDx Variant Classification Process June 2021. Collection method: clinical testing. Allele origin: germline. Affected: yes.

Illumina Laboratory Services, Illumina
Classification: Benign for Schimke immuno-osseous dysplasia. Last evaluated: 2018-01-12. Review status: criteria provided, single submitter. Criteria: ICSL Variant Classification Criteria 13 December 2019. Collection method: clinical testing. Allele origin: germline.
Comment: This variant was observed in the ICSL laboratory as part of a predisposition screen in an ostensibly healthy population. It had not been previously curated by ICSL or reported in the Human Gene Mutation Database (HGMD: prior to June 1st, 2018), and was therefore a candidate for classification through an automated scoring system. Utilizing variant allele frequency, disease prevalence and penetrance estimates, and inheritance mode, an automated score was calculated to assess if this variant is too frequent to cause the disease. Based on the score and internal cut-off values, a variant classified as benign is not then subjected to further curation. The score for this variant resulted in a classification of benign for this disease.

Genome Diagnostics Laboratory, The Hospital for Sick Children
Classification: Likely benign for Kidney disorder. Last evaluated: 2016-12-12. Review status: criteria provided, single submitter. Criteria: ACMG Guidelines, 2015. Collection method: clinical testing. Allele origin: germline.

Eurofins Ntd Llc (ga)
Classification: Benign. Last evaluated: 2015-01-28. Review status: criteria provided, single submitter. Criteria: EGL Classification Definitions 2015. Collection method: clinical testing. Allele origin: germline. Observed: 3 variant alleles, 3 heterozygotes.

Breakthrough Genomics
Classification: Benign. Review status: criteria provided, single submitter. Criteria: ACMG Guidelines, 2015. Collection method: not provided. Allele origin: germline. Inheritance: Autosomal recessive inheritance. Affected: yes.

PreventionGenetics, part of Exact Sciences
Classification: Benign. Review status: criteria provided, single submitter. Criteria: ACMG Guidelines, 2015. Collection method: clinical testing. Allele origin: germline.